The following is an entry in ClinVar:

ClinVar aggregate classification (germline): Uncertain significance. Review status: criteria provided, multiple submitters, no conflicts (2 of 4 stars). 4 submissions from 4 submitters: Uncertain significance (4). Last evaluated 2024-09-11.

Conditions:
Hypotonia, infantile, with psychomotor retardation and characteristic facies 2 (IHPRF2). Also called: UNC80 Deficiency. Identifiers: Orphanet 371364, Orphanet 700333, MedGen C4225203, MONDO:0014777, OMIM 616801.

Allele frequency attached by ClinVar (database versions not stated): gnomAD 0.00004; TOPMed 0.00007; ExAC 0.00002; gnomAD exomes 0.00008 and 0.00006.
gnomAD v4.1: 125 of 1,613,870 alleles (0.0077%); highest among the groups gnomAD compares: Admixed American, 0.013%; no homozygotes.

Submissions (4):

GeneDx
Classification: Uncertain significance. Last evaluated: 2024-09-11. Review status: criteria provided, single submitter. Criteria: GeneDx Variant Classification Process June 2021. Collection method: clinical testing. Allele origin: germline. Affected: yes.
Comment: In silico analysis indicates that this missense variant does not alter protein structure/function; Has not been previously published as pathogenic or benign to our knowledge

Blueprint Genetics
Classification: Uncertain significance. Last evaluated: 2023-05-08. Review status: criteria provided, single submitter. Criteria: ACMG Guidelines, 2015. Collection method: clinical testing. Allele origin: germline.

Labcorp Genetics (formerly Invitae), Labcorp
Classification: Uncertain significance. Last evaluated: 2022-08-21. Review status: criteria provided, single submitter. Criteria: Invitae Variant Classification Sherloc (09022015). Collection method: clinical testing. Allele origin: germline.
Comment: This sequence change replaces glycine, which is neutral and non-polar, with arginine, which is basic and polar, at codon 225 of the UNC80 protein (p.Gly225Arg). This variant is present in population databases (rs774262237, gnomAD 0.02%). This variant has not been reported in the literature in individuals affected with UNC80-related conditions. ClinVar contains an entry for this variant (Variation ID: 1032287). Algorithms developed to predict the effect of missense changes on protein structure and function are either unavailable or do not agree on the potential impact of this missense change (SIFT: "Not Available"; PolyPhen-2: "Benign"; Align-GVGD: "Not Available"). In summary, the available evidence is currently insufficient to determine the role of this variant in disease. Therefore, it has been classified as a Variant of Uncertain Significance.

Baylor Genetics
Classification: Uncertain significance for Hypotonia, infantile, with psychomotor retardation and characteristic facies 2. Last evaluated: 2018-05-15. Review status: criteria provided, single submitter. Criteria: ACMG Guidelines, 2015. Collection method: clinical testing. Allele origin: paternal. Affected: yes.
Comment: This variant was determined to be of uncertain significance according to ACMG Guidelines, 2015 [PMID:25741868].

NM_001371986.1(UNC80):c.673G>A (p.Gly225Arg)

Gene: UNC80 (unc-80 subunit of NALCN channel complex; plus strand). Cytogenetic location: 2q34.
Variant type: single nucleotide variant.
Coding change: c.673G>A on transcript NM_001371986.1 (MANE Select); coding-DNA position 673, G replaced by A.
Protein change: p.Gly225Arg; replaces glycine 225 with arginine.
Molecular consequence: missense variant.
Genome position (GRCh38, 1-based): chr2:209,786,138, G>A. VCF-style: chr2-209786138-G-A. GRCh37 (hg19) VCF-style: chr2-210650862-G-A.
Other names: c.673G>A, p.Gly225Arg (NM_032504.2, NM_182587.4); short protein forms G225R.
Identifiers: ClinVar variation 1032287 (VCV001032287.6), dbSNP rs774262237, ClinGen allele CA2082805.
Genomic context (GRCh38, chr2:209,786,138, plus strand): 5'-ACCTTCCGTCTGGCCAGTGGGCTTGTTATATGGCAGCCCATGTGGGAACACAGACAGCCC[G>A]GAGTCTCTGGCTTTACCGCACTGGTGAAGCCCATCAGGAACATCATTACAGGTTTGTAAC-3'
Protein context (NP_001358915.1, residues 215-235): WQPMWEHRQP[Gly225Arg]VSGFTALVKP